The following is an entry in ClinVar:

NM_138694.4(PKHD1):c.9765G>A (p.Trp3255Ter)

Gene: PKHD1 (PKHD1 ciliary IPT domain containing fibrocystin/polyductin; minus strand). Cytogenetic location: 6p12.3.
Variant type: single nucleotide variant.
Coding change: c.9765G>A on transcript NM_138694.4 (MANE Select); coding-DNA position 9765, G replaced by A.
Protein change: p.Trp3255Ter; replaces tryptophan 3255 with a stop codon.
Molecular consequence: nonsense.
Genome position (GRCh38, 1-based): chr6:51,747,851, C>T on the plus strand (G>A on the coding strand, the complement: PKHD1 is on the minus strand). VCF-style: chr6-51747851-C-T. GRCh37 (hg19) VCF-style: chr6-51612649-C-T.
Other names: c.9765G>A, p.Trp3255Ter (NM_170724.3); c.9765G>A (NM_138694.3); short protein forms W3255*.
Identifiers: ClinVar variation 3720702 (VCV003720702.4).

ClinVar aggregate classification (germline): Pathogenic. Review status: criteria provided, multiple submitters, no conflicts (2 of 4 stars). 3 submissions from 3 submitters: Pathogenic (3). Last evaluated 2025-01-23.

Conditions:
Polycystic kidney disease 4 (PKD4). Also called: POLYCYSTIC KIDNEY AND HEPATIC DISEASE 1; POLYCYSTIC KIDNEY DISEASE, INFANTILE, TYPE I; PKD3; Autosomal Recessive Polycystic Kidney Disease – PKHD1; POLYCYSTIC KIDNEY DISEASE 4 WITH OR WITHOUT POLYCYSTIC LIVER DISEASE. Identifiers: MedGen C4540575, MONDO:0033004, OMIM 263200.
Autosomal recessive polycystic kidney disease (ARPKD). Also called: AR polycystic kidney disease. Identifiers: Orphanet 731, Orphanet 8378, MedGen C0085548, MeSH D017044, MONDO:0009889.

Submissions (3):

Myriad Genetics, Inc.
Classification: Pathogenic for Polycystic kidney disease 4. Last evaluated: 2025-01-23. Review status: criteria provided, single submitter. Criteria: Myriad Autosomal Dominant, Autosomal Recessive and X-Linked Classification Criteria (2023). Collection method: clinical testing. Allele origin: unknown.
Comment: NM_138694.3(PKHD1):c.9765G>A(W3255*) is expected to be pathogenic in the context of autosomal recessive polycystic kidney disease, PKHD1-related. This variant is predicted to lead to an abnormal or absent protein product due to the creation of a premature termination codon in PKHD1, a gene where loss-of-function variants are known to be pathogenic. Please note: this variant was assessed in the context of healthy population screening.

Natera, Inc.
Classification: Pathogenic for Autosomal recessive polycystic kidney disease. Last evaluated: 2024-11-14. Review status: criteria provided, single submitter. Criteria: Natera Variant Classification Schema (03/2026). Collection method: clinical testing. Allele origin: germline.
Comment: The c.9765G>A variant in PKHD1 is a nonsense variant predicted to introduce a stop codon at amino acid 3255. This variant is expected to result in nonsense mediated decay, truncation, or a dysfunctional protein product. This variant is rare in the general population with a frequency below the threshold expected for the associated phenotype(s). This variant has been observed in one or more individuals affected with the associated recessive disease, as either homozygous or compound heterozygous with a second variant (PMID: 16133180). Given the available evidence, this variant is classified as Pathogenic.

Labcorp Genetics (formerly Invitae), Labcorp
Classification: Pathogenic for Autosomal recessive polycystic kidney disease. Last evaluated: 2024-02-04. Review status: criteria provided, single submitter. Criteria: Invitae Variant Classification Sherloc (09022015). Collection method: clinical testing. Allele origin: germline.
Comment: This sequence change creates a premature translational stop signal (p.Trp3255*) in the PKHD1 gene. It is expected to result in an absent or disrupted protein product. Loss-of-function variants in PKHD1 are known to be pathogenic (PMID: 19940839). This variant is not present in population databases (gnomAD no frequency). This premature translational stop signal has been observed in individual(s) with autosomal recessive polycystic kidney disease (PMID: 16133180). For these reasons, this variant has been classified as Pathogenic.

Literature cited by the submitters: PubMed 16133180 (cited by Natera, Inc. and Labcorp Genetics (formerly Invitae), Labcorp); PubMed 19940839 (cited by Labcorp Genetics (formerly Invitae), Labcorp).